The following is an entry in ClinVar:

NM_001378778.1(MPDZ):c.4175T>A (p.Leu1392Ter)

Gene: MPDZ (multiple PDZ domain crumbs cell polarity complex component; minus strand). Cytogenetic location: 9p23.
Variant type: single nucleotide variant.
Coding change: c.4175T>A on transcript NM_001378778.1 (MANE Select); coding-DNA position 4175, T replaced by A.
Protein change: p.Leu1392Ter; replaces leucine 1392 with a stop codon.
Molecular consequence: nonsense.
Genome position (GRCh38, 1-based): chr9:13,137,982, A>T on the plus strand (T>A on the coding strand, the complement: MPDZ is on the minus strand). VCF-style: chr9-13137982-A-T. GRCh37 (hg19) VCF-style: chr9-13137981-A-T.
Other names: c.4076T>A, p.Leu1359Ter (NM_001261406.2, NM_001261407.2, NM_001375416.1 and 3 more transcripts); c.4175T>A, p.Leu1392Ter (NM_001330637.2, NM_001375413.1, NM_003829.5); c.3965T>A, p.Leu1322Ter (NM_001375420.1, NM_001375421.1, NM_001375422.1 and 4 more transcripts); c.3767T>A, p.Leu1256Ter (NM_001375427.1); short protein forms L1392*, L1359*, L1256*, L1322*.
Identifiers: ClinVar variation 432041 (VCV000432041.2), dbSNP rs778600333, ClinGen allele CA372949088.

ClinVar aggregate classification (germline): Likely pathogenic (1 of 4 stars; one submission).

Submission:

GeneDx
Classification: Likely pathogenic. Last evaluated: 2016-01-08. Review status: criteria provided, single submitter. Criteria: GeneDx Variant Classification (06012015). Collection method: clinical testing. Allele origin: germline. Affected: yes.
Comment: The L1392X variant in the MPDZ gene has not been reported previously as a pathogenic variant nor as a benign variant, to our knowledge. This variant is predicted to cause loss of normal protein function either through protein truncation or nonsense-mediated mRNA decay. The L1392X variant was not observed in approximately 6,000 individuals of European and African American ancestry in the NHLBI Exome Sequencing Project, indicating it is not a common benign variant in these populations. The L1392X variant is a strong candidate for a pathogenic variant, however the possibility it may be a rare benign variant cannot be excluded.